The following is an entry in ClinVar:

NM_001166108.2(PALLD):c.2261T>A (p.Val754Asp)

Genes: CBR4 (carbonyl reductase 4; minus strand), PALLD (palladin, cytoskeletal associated protein; plus strand). Cytogenetic location: 4q32.3.
Variant type: single nucleotide variant.
Coding change: c.2261T>A on transcript NM_001166108.2 (MANE Select); coding-DNA position 2261, T replaced by A.
Protein change: p.Val754Asp; replaces valine 754 with aspartic acid.
Molecular consequence: missense variant.
Genome position (GRCh38, 1-based): chr4:168,898,503, T>A. VCF-style: chr4-168898503-T-A. GRCh37 (hg19) VCF-style: chr4-169819654-T-A.
Other names: c.1064T>A, p.Val355Asp (NM_001166109.2); c.749T>A, p.Val250Asp (NM_001166110.2); c.89T>A, p.Val30Asp (NM_001367567.1, NM_001367569.1); c.140T>A, p.Val47Asp (NM_001367568.1, NM_001367570.1); c.2210T>A, p.Val737Asp (NM_016081.4); short protein forms V250D, V754D, V30D, V47D, V355D, V737D.
Identifiers: ClinVar variation 2623043 (VCV002623043.2), dbSNP rs752458247, ClinGen allele CA358798557.

ClinVar aggregate classification (germline): Uncertain significance (1 of 4 stars; one submission).

Submission:

Ambry Genetics
Classification: Uncertain significance. Last evaluated: 2023-06-24. Review status: criteria provided, single submitter. Criteria: Ambry Variant Classification Scheme 2023. Collection method: clinical testing. Allele origin: germline.
Comment: The p.V737D variant (also known as c.2210T>A), located in coding exon 12 of the PALLD gene, results from a T to A substitution at nucleotide position 2210. The valine at codon 737 is replaced by aspartic acid, an amino acid with highly dissimilar properties. This amino acid position is conserved. In addition, this alteration is predicted to be deleterious by in silico analysis. Since supporting evidence is limited at this time, the clinical significance of this alteration remains unclear.